The following is an entry in ClinVar:

NM_002863.5(PYGL):c.514C>T (p.Arg172Ter)

Gene: PYGL (glycogen phosphorylase L; minus strand). Cytogenetic location: 14q22.1.
Variant type: single nucleotide variant.
Coding change: c.514C>T on transcript NM_002863.5 (MANE Select); coding-DNA position 514, C replaced by T.
Protein change: p.Arg172Ter; replaces arginine 172 with a stop codon.
Molecular consequence: nonsense.
Genome position (GRCh38, 1-based): chr14:50,931,687, G>A on the plus strand (C>T on the coding strand, the complement: PYGL is on the minus strand). VCF-style: chr14-50931687-G-A. GRCh37 (hg19) VCF-style: chr14-51398405-G-A.
Other names: c.412C>T, p.Arg138Ter (NM_001163940.2); short protein forms R172*, R138*.
Identifiers: ClinVar variation 1988522 (VCV001988522.4), dbSNP rs2050602182, ClinGen allele CA389695440.
Genomic context (GRCh38, chr14:50,931,687, plus strand): 5'-AAGAGAAGTACCTTAATGACAAAATTTAAAAAGATGGCTCACACACCTGCCATCCATCTC[G>A]GATCTTCTGATTGAAAATCCCATATTCATACCGAATGCCGTATCCATAGGCTGCAAGTCC-3'

ClinVar aggregate classification (germline): Pathogenic (1 of 4 stars; one submission).

Conditions:
Glycogen storage disease, type VI (GSD6). Also called: Glycogen storage disease type 6, due to phosphorylation; GSD VI; Glycogen storage disease type 6; Hepatic glycogen phosphorylase deficiency; HERS DISEASE; PHOSPHORYLASE DEFICIENCY GLYCOGEN-STORAGE DISEASE OF LIVER. Identifiers: Orphanet 369, MedGen C0017925, MONDO:0009294, OMIM 232700.

gnomAD v4.1: 5 of 1,613,420 alleles (0.00031%); highest among the groups gnomAD compares: South Asian, 0.0033%; no homozygotes.

Submission:

Labcorp Genetics (formerly Invitae), Labcorp
Classification: Pathogenic for Glycogen storage disease, type VI. Last evaluated: 2022-05-15. Review status: criteria provided, single submitter. Criteria: Invitae Variant Classification Sherloc (09022015). Collection method: clinical testing. Allele origin: germline.
Comment: For these reasons, this variant has been classified as Pathogenic. This premature translational stop signal has been observed in individual(s) with glycogen storage disease (PMID: 32961316). This variant is not present in population databases (gnomAD no frequency). This sequence change creates a premature translational stop signal (p.Arg172*) in the PYGL gene. It is expected to result in an absent or disrupted protein product. Loss-of-function variants in PYGL are known to be pathogenic (PMID: 9536091, 21646031).

Literature cited by the submitters: PubMed 32961316; PubMed 9536091; PubMed 21646031.